The following is an entry in ClinVar:

NM_004999.4(MYO6):c.3718C>T (p.Arg1240Cys)

Gene: MYO6 (myosin VI; plus strand). Cytogenetic location: 6q14.1.
Variant type: single nucleotide variant.
Coding change: c.3718C>T on transcript NM_004999.4 (MANE Select); coding-DNA position 3718, C replaced by T.
Protein change: p.Arg1240Cys; replaces arginine 1240 with cysteine.
Molecular consequence: missense variant. On other transcripts: non-coding transcript variant (1).
Genome position (GRCh38, 1-based): chr6:75,914,872, C>T. VCF-style: chr6-75914872-C-T. GRCh37 (hg19) VCF-style: chr6-76624589-C-T.
Other names: c.3649C>T, p.Arg1217Cys (NM_001300899.2); c.3622C>T, p.Arg1208Cys (NM_001368136.1); c.3679C>T, p.Arg1227Cys (NM_001368137.1); c.3634C>T, p.Arg1212Cys (NM_001368138.1); c.3745C>T, p.Arg1249Cys (NM_001368865.1); c.3718C>T, p.Arg1240Cys (NM_001368866.1); short protein forms R1208C, R1212C, R1217C, R1227C, R1240C, R1249C.
Identifiers: ClinVar variation 3357326 (VCV003357326.2).

ClinVar aggregate classification (germline): Uncertain significance. Review status: criteria provided, single submitter (1 of 4 stars). 2 submissions from 2 submitters: Uncertain significance (1). 1 of the submissions does not count toward it. Last evaluated 2022-02-02.

Conditions:
MYO6-related disorder. Also called: MYO6-related disorders; MYO6-related condition.

gnomAD v4.1: 68 of 1,613,978 alleles (0.0042%); highest among the groups gnomAD compares: South Asian, 0.011%; no homozygotes.

Submissions (2):

Blueprint Genetics
Classification: Uncertain significance. Last evaluated: 2022-02-02. Review status: criteria provided, single submitter. Criteria: ACMG Guidelines, 2015. Collection method: clinical testing. Allele origin: germline.

PreventionGenetics, part of Exact Sciences
Classification: Uncertain significance for MYO6-related condition. Last evaluated: 2024-07-11. Review status: no assertion criteria provided. Collection method: clinical testing. Allele origin: germline. Not counted in ClinVar's aggregate classification.
Comment: The MYO6 c.3718C>T variant is predicted to result in the amino acid substitution p.Arg1240Cys. To our knowledge, this variant has not been reported in the literature. This variant is reported in 0.014% of alleles in individuals of Latino descent in gnomAD. At this time, the clinical significance of this variant is uncertain due to the absence of conclusive functional and genetic evidence.